The following is an entry in ClinVar:

ClinVar aggregate classification (germline): Likely benign. Review status: criteria provided, multiple submitters, no conflicts (2 of 4 stars). 3 submissions from 3 submitters: Likely benign (2). 1 of the submissions does not count toward it. Last evaluated 2024-04-14.

Conditions:
Encephalopathy, acute, infection-induced (herpes-specific), susceptibility to, 1. Also called: Herpes simplex encephalitis, susceptibility to, 1. Identifiers: Orphanet 1930, MedGen C2750180, MONDO:0024563, OMIM 610551.
TLR3-related disorder. Also called: TLR3-related condition.

Allele frequency attached by ClinVar (database versions not stated): gnomAD exomes 0.00001 and 0.00005; gnomAD 0.00021 and 0.00020; 1000 Genomes Project 30x 0.00047; ExAC 0.00005; ESP Exome Variant Server 0.00023; TOPMed 0.00023; 1000 Genomes Project 0.00040.
gnomAD v4.1: 45 of 1,614,176 alleles (0.0028%); highest among the groups gnomAD compares: African/African-American, 0.052%; no homozygotes.

Submissions (3):

Labcorp Genetics (formerly Invitae), Labcorp
Classification: Likely benign for Encephalopathy, acute, infection-induced (herpes-specific), susceptibility to, 1. Last evaluated: 2024-04-14. Review status: criteria provided, single submitter. Criteria: Invitae Variant Classification Sherloc (09022015). Collection method: clinical testing. Allele origin: germline.

Blueprint Genetics
Classification: Likely benign. Last evaluated: 2022-07-14. Review status: criteria provided, single submitter. Criteria: ACMG Guidelines, 2015. Collection method: clinical testing. Allele origin: germline.

PreventionGenetics, part of Exact Sciences
Classification: Likely benign for TLR3-related condition. Last evaluated: 2023-06-08. Review status: no assertion criteria provided. Collection method: clinical testing. Allele origin: germline. Not counted in ClinVar's aggregate classification.
Comment: This variant is classified as likely benign based on ACMG/AMP sequence variant interpretation guidelines (Richards et al. 2015 PMID: 25741868, with internal and published modifications).

NM_003265.3(TLR3):c.2328A>G (p.Ser776=)

Gene: TLR3 (toll like receptor 3; plus strand). Cytogenetic location: 4q35.1.
Variant type: single nucleotide variant.
Coding change: c.2328A>G on transcript NM_003265.3 (MANE Select); coding-DNA position 2328, A replaced by G.
Protein change: p.Ser776=; no amino-acid change (serine 776 retained).
Molecular consequence: synonymous variant.
Genome position (GRCh38, 1-based): chr4:186,084,014, A>G. VCF-style: chr4-186084014-A-G. GRCh37 (hg19) VCF-style: chr4-187005168-A-G.
Other names: c.2328A>G (NM_003265.2).
Identifiers: ClinVar variation 1573088 (VCV001573088.11), dbSNP rs370090850, ClinGen allele CA3161551.